The following is an entry in ClinVar:

NM_001184.4(ATR):c.5429C>T (p.Ser1810Leu)

Gene: ATR (ATR checkpoint kinase; minus strand). Cytogenetic location: 3q23.
Variant type: single nucleotide variant.
Coding change: c.5429C>T on transcript NM_001184.4 (MANE Select); coding-DNA position 5429, C replaced by T.
Protein change: p.Ser1810Leu; replaces serine 1810 with leucine.
Molecular consequence: missense variant.
Genome position (GRCh38, 1-based): chr3:142,498,726, G>A on the plus strand (C>T on the coding strand, the complement: ATR is on the minus strand). VCF-style: chr3-142498726-G-A. GRCh37 (hg19) VCF-style: chr3-142217568-G-A.
Other names: c.5237C>T, p.Ser1746Leu (NM_001354579.2); short protein forms S1746L, S1810L.
Identifiers: ClinVar variation 2587558 (VCV002587558.2), dbSNP rs748903337, ClinGen allele CA2649610.

ClinVar aggregate classification (germline): Uncertain significance (1 of 4 stars; one submission).

Conditions:
Inborn genetic diseases. Identifiers: MedGen C0950123, MeSH D030342.

Allele frequency attached by ClinVar (database versions not stated): gnomAD exomes below 0.00001; ExAC 0.00001.
gnomAD v4.1: 1 of 1,613,924 alleles (0.000062%); highest among the groups gnomAD compares: Admixed American, 0.0017%; no homozygotes.

Submission:

Ambry Genetics
Classification: Uncertain significance for Inborn genetic diseases. Last evaluated: 2023-07-03. Review status: criteria provided, single submitter. Criteria: Ambry Variant Classification Scheme 2023. Collection method: clinical testing. Allele origin: germline.
Comment: The p.S1810L variant (also known as c.5429C>T), located in coding exon 32 of the ATR gene, results from a C to T substitution at nucleotide position 5429. The serine at codon 1810 is replaced by leucine, an amino acid with dissimilar properties. This amino acid position is conserved. In addition, the in silico prediction for this alteration is inconclusive. Since supporting evidence is limited at this time, the clinical significance of this alteration remains unclear.